The following is an entry in ClinVar:

NM_001257180.2(SLC20A2):c.1580C>T (p.Thr527Met)

Gene: SLC20A2 (solute carrier family 20 member 2; minus strand). Cytogenetic location: 8p11.21.
Variant type: single nucleotide variant.
Coding change: c.1580C>T on transcript NM_001257180.2 (MANE Select); coding-DNA position 1580, C replaced by T.
Protein change: p.Thr527Met; replaces threonine 527 with methionine.
Molecular consequence: missense variant.
Genome position (GRCh38, 1-based): chr8:42,430,193, G>A on the plus strand (C>T on the coding strand, the complement: SLC20A2 is on the minus strand). VCF-style: chr8-42430193-G-A. GRCh37 (hg19) VCF-style: chr8-42287711-G-A.
Other names: c.1580C>T, p.Thr527Met (NM_001257181.2, NM_006749.5); c.1580C>T (NM_006749.3); short protein forms T527M.
Identifiers: ClinVar variation 909280 (VCV000909280.10), dbSNP rs145970823, ClinGen allele CA4733273.

ClinVar aggregate classification (germline): Benign/Likely benign. Review status: criteria provided, multiple submitters, no conflicts (2 of 4 stars). 3 submissions from 3 submitters: Benign (1); Likely benign (2). Last evaluated 2025-12-03.

Conditions:
Idiopathic basal ganglia calcification 1 (PFBC1A). Also called: Cerebral calcification nonarteriosclerotic idiopathic adult-onset; Striopallidodentate calcinosis autosomal dominant adult-onset; Ferrocalcinosis, cerebrovascular; Fahr disease, familial (formerly); PRIMARY FAMILIAL BRAIN CALCIFICATION 1A, AUTOSOMAL DOMINANT; Familial Idiopathic Basal Ganglia Calcification 3. Identifiers: Orphanet 1980, MedGen C4551624, MONDO:0024538, OMIM 213600.
Inborn genetic diseases. Identifiers: MedGen C0950123, MeSH D030342.

Allele frequency attached by ClinVar (database versions not stated): gnomAD exomes 0.00022 and 0.00020; TOPMed 0.00019; gnomAD 0.00019; ExAC 0.00028; ESP Exome Variant Server 0.00038.
gnomAD v4.1: 342 of 1,613,836 alleles (0.021%); highest among the groups gnomAD compares: Middle Eastern, 0.049%; no homozygotes.

Submissions (3):

Labcorp Genetics (formerly Invitae), Labcorp
Classification: Likely benign. Last evaluated: 2025-12-03. Review status: criteria provided, single submitter. Criteria: Invitae Variant Classification Sherloc (09022015). Collection method: clinical testing. Allele origin: germline.

Ambry Genetics
Classification: Likely benign for Inborn genetic diseases. Last evaluated: 2022-09-06. Review status: criteria provided, single submitter. Criteria: Ambry Variant Classification Scheme 2023. Collection method: clinical testing. Allele origin: germline.

Illumina Laboratory Services, Illumina
Classification: Benign for Idiopathic basal ganglia calcification 1. Last evaluated: 2018-01-13. Review status: criteria provided, single submitter. Criteria: ICSL Variant Classification Criteria 13 December 2019. Collection method: clinical testing. Allele origin: germline.
Comment: This variant was observed in the ICSL laboratory as part of a predisposition screen in an ostensibly healthy population. It had not been previously curated by ICSL or reported in the Human Gene Mutation Database (HGMD: prior to June 1st, 2018), and was therefore a candidate for classification through an automated scoring system. Utilizing variant allele frequency, disease prevalence and penetrance estimates, and inheritance mode, an automated score was calculated to assess if this variant is too frequent to cause the disease. Based on the score and internal cut-off values, a variant classified as benign is not then subjected to further curation. The score for this variant resulted in a classification of benign for this disease.